The following is an entry in ClinVar:

ClinVar aggregate classification (germline): Uncertain significance (1 of 4 stars; one submission).

Allele frequency attached by ClinVar (database versions not stated): gnomAD exomes below 0.00001.
gnomAD v4.1: 1 of 1,614,056 alleles (0.000062%); highest among the groups gnomAD compares: Non-Finnish European, 0.000085%; no homozygotes.

Submission:

Labcorp Genetics (formerly Invitae), Labcorp
Classification: Uncertain significance. Last evaluated: 2024-10-03. Review status: criteria provided, single submitter. Criteria: Invitae Variant Classification Sherloc (09022015). Collection method: clinical testing. Allele origin: germline.
Comment: This sequence change replaces serine, which is neutral and polar, with glycine, which is neutral and non-polar, at codon 1297 of the CAMTA1 protein (p.Ser1297Gly). This variant is not present in population databases (gnomAD no frequency). This variant has not been reported in the literature in individuals affected with CAMTA1-related conditions. An algorithm developed to predict the effect of missense changes on protein structure and function (PolyPhen-2) suggests that this variant is likely to be tolerated. In summary, the available evidence is currently insufficient to determine the role of this variant in disease. Therefore, it has been classified as a Variant of Uncertain Significance.

NM_015215.4(CAMTA1):c.3889A>G (p.Ser1297Gly)

Genes: CAMTA1 (calmodulin binding transcription activator 1; plus strand), LOC126805603 (CDK7 strongly-dependent group 2 enhancer GRCh37_chr1:7798026-7799225; plus strand). Cytogenetic location: 1p36.23.
Variant type: single nucleotide variant.
Coding change: c.3889A>G on transcript NM_015215.4 (MANE Select); coding-DNA position 3889, A replaced by G.
Protein change: p.Ser1297Gly; replaces serine 1297 with glycine.
Molecular consequence: missense variant. On other transcripts: intron variant (13).
Genome position (GRCh38, 1-based): chr1:7,738,189, A>G. VCF-style: chr1-7738189-A-G. GRCh37 (hg19) VCF-style: chr1-7798249-A-G.
Other names: c.3799A>G, p.Ser1267Gly (NM_001349608.2); c.1018A>G, p.Ser340Gly (NM_001349613.1); c.961A>G, p.Ser321Gly (NM_001349614.1, NM_001349615.2, NM_001349616.2 and 2 more transcripts); c.3659-109A>G (NM_001349609.2, NM_001349610.2, NM_001410737.1); c.3587-109A>G (NM_001410738.1); c.3569-109A>G (NM_001349612.2); c.731-109A>G (NM_001349620.1, NM_001349621.1, NM_001349625.2 and 5 more transcripts); short protein forms S340G, S1267G, S321G, S1297G.
Identifiers: ClinVar variation 2767501 (VCV002767501.3), dbSNP rs2523238712, ClinGen allele CA338133027.